The following is an entry in ClinVar:

ClinVar aggregate classification (germline): Likely benign. Review status: reviewed by expert panel (3 of 4 stars). 5 submissions from 5 submitters: Likely benign (1). 4 of the submissions do not count toward it. Last evaluated 2017-06-29.

Conditions:
Hereditary breast ovarian cancer syndrome. Also called: Hereditary breast and ovarian cancer syndrome; Hereditary breast and ovarian cancer syndrome (HBOC); BRCA1- and BRCA2-Associated Hereditary Breast and Ovarian Cancer; Breast and ovarian cancer; Hereditary breast and ovarian cancer; Hereditary breast and/or ovarian cancer syndrome. Identifiers: Orphanet 145, MedGen C0677776, MeSH D061325, MONDO:0003582. Disease mechanism: loss of function.
Hereditary cancer-predisposing syndrome. Also called: Hereditary Cancer Syndrome; Hereditary neoplastic syndrome; Tumor predisposition; Neoplastic Syndromes, Hereditary. Identifiers: Orphanet 140162, MedGen C0027672, MeSH D009386, MONDO:0015356.
Breast-ovarian cancer, familial, susceptibility to, 1 (BROVCA1). Also called: OVARIAN CANCER, SUSCEPTIBILITY TO; BRCA1 Hereditary Breast and Ovarian Cancer. Identifiers: Orphanet 145, MedGen C2676676, MONDO:0011450, OMIM 604370. Disease mechanism: loss of function.

Allele frequency attached by ClinVar (database versions not stated): TOPMed below 0.00001; gnomAD 0.00001; gnomAD exomes 0.00001.
gnomAD v4.1: 16 of 1,614,038 alleles (0.00099%); highest among the groups gnomAD compares: African/African-American, 0.0013%; no homozygotes.

Submissions (5):

Evidence-based Network for the Interpretation of Germline Mutant Alleles (ENIGMA)
Classification: Likely benign for Breast-ovarian cancer, familial, susceptibility to, 1. Last evaluated: 2017-06-29. Review status: reviewed by expert panel. Criteria: ENIGMA BRCA1/2 Classification Criteria (2017-06-29). Collection method: curation. Allele origin: germline.
Comment: Synonymous substitution variant, with low bioinformatic likelihood to result in a splicing aberration (Splicing prior probability 0.02).

Labcorp Genetics (formerly Invitae), Labcorp
Classification: Likely benign for Hereditary breast ovarian cancer syndrome. Last evaluated: 2024-12-18. Review status: criteria provided, single submitter. Criteria: Invitae Variant Classification Sherloc (09022015). Collection method: clinical testing. Allele origin: germline. Not counted in ClinVar's aggregate classification.

Women's Health and Genetics/Laboratory Corporation of America, LabCorp
Classification: Likely benign. Last evaluated: 2020-10-29. Review status: criteria provided, single submitter. Criteria: LabCorp Variant Classification Summary - May 2015. Collection method: clinical testing. Allele origin: germline. Not counted in ClinVar's aggregate classification.

Ambry Genetics
Classification: Likely benign for Hereditary cancer-predisposing syndrome. Last evaluated: 2017-06-08. Review status: criteria provided, single submitter. Criteria: Ambry Variant Classification Scheme 2023. Collection method: clinical testing. Allele origin: germline. Not counted in ClinVar's aggregate classification.

Color Diagnostics, LLC DBA Color Health
Classification: Likely benign for Hereditary cancer-predisposing syndrome. Last evaluated: 2016-05-02. Review status: criteria provided, single submitter. Criteria: ACMG Guidelines, 2015. Collection method: clinical testing. Allele origin: germline. Not counted in ClinVar's aggregate classification.

NM_007294.4(BRCA1):c.975G>A (p.Lys325=)

Gene: BRCA1 (BRCA1 DNA repair associated; minus strand). Cytogenetic location: 17q21.31.
Variant type: single nucleotide variant.
Coding change: c.975G>A on transcript NM_007294.4 (MANE Select); coding-DNA position 975, G replaced by A.
Protein change: p.Lys325=; no amino-acid change (lysine 325 retained).
Molecular consequence: synonymous variant. On other transcripts: intron variant (137).
Genome position (GRCh38, 1-based): chr17:43,094,556, C>T on the plus strand (G>A on the coding strand, the complement: BRCA1 is on the minus strand). VCF-style: chr17-43094556-C-T. GRCh37 (hg19) VCF-style: chr17-41246573-C-T.
Other names: c.975G>A, p.Lys325= (NM_001407597.1, NM_001407598.1, NM_001407602.1 and 30 more transcripts); c.972G>A, p.Lys324= (NM_001407610.1, NM_001407611.1, NM_001407612.1 and 22 more transcripts); c.966G>A, p.Lys322= (NM_001407646.1, NM_001407647.1); c.852G>A, p.Lys284= (NM_001407648.1, NM_001407664.1, NM_001407665.1 and 19 more transcripts); c.849G>A, p.Lys283= (NM_001407649.1, NM_001407670.1, NM_001407671.1 and 11 more transcripts); c.897G>A, p.Lys299= (NM_001407653.1, NM_001407654.1, NM_001407655.1 and 4 more transcripts); c.894G>A, p.Lys298= (NM_001407659.1, NM_001407660.1, NM_001407661.1 and 1 more transcripts); c.834G>A, p.Lys278= (NM_001407692.1, NM_001407694.1, NM_001407695.1 and 29 more transcripts); and 40 more.
Identifiers: ClinVar variation 184694 (VCV000184694.20), dbSNP rs786201624, ClinGen allele CA003992.